The following is an entry in ClinVar:

ClinVar aggregate classification (germline): Uncertain significance (1 of 4 stars; one submission).

Submission:

Labcorp Genetics (formerly Invitae), Labcorp
Classification: Uncertain significance. Last evaluated: 2023-08-17. Review status: criteria provided, single submitter. Criteria: Invitae Variant Classification Sherloc (09022015). Collection method: clinical testing. Allele origin: germline.
Comment: In summary, the available evidence is currently insufficient to determine the role of this variant in disease. Therefore, it has been classified as a Variant of Uncertain Significance. ClinVar contains an entry for this variant (Variation ID: 2034292). This variant has not been reported in the literature in individuals affected with RNF213-related conditions. This variant is not present in population databases (gnomAD no frequency). This sequence change creates a premature translational stop signal (p.Arg2972Serfs*45) in the RNF213 gene. It is expected to result in an absent or disrupted protein product. However, the current clinical and genetic evidence is not sufficient to establish whether loss-of-function variants in RNF213 cause disease.

NM_001256071.3(RNF213):c.8916_8919del (p.Arg2972fs)

Gene: RNF213 (ring finger protein 213; plus strand). Cytogenetic location: 17q25.3.
Variant type: Deletion.
Coding change: c.8916_8919del on transcript NM_001256071.3 (MANE Select); coding-DNA positions 8916 to 8919, 4 bases deleted (AAAG; older notation c.8916_8919delAAAG).
Protein change: p.Arg2972fs; shifts the reading frame from arginine 2972.
Molecular consequence: frameshift variant.
Genome position (GRCh38, 1-based): chr17:80,347,251-80,347,254, AAAG deleted; deleting any 4 consecutive bases within chr17:80,347,249-80,347,254 gives the same sequence; the c. name uses the placement nearest the transcript's 3' end. VCF-style (leftmost placement, unchanged base first): chr17-80347248-TAGAA-T. GRCh37 (hg19) VCF-style: chr17-78321048-TAGAA-T.
Other names: c.9063_9066delAAAG, p.Arg3021Serfs (NM_001410195.1, NM_020914.5); short protein forms R2972fs.
Identifiers: ClinVar variation 2034292 (VCV002034292.4), dbSNP rs2078343412, ClinGen allele CA2277933572.